The following is an entry in ClinVar:

NM_000531.6(OTC):c.298+1del

Gene: OTC (ornithine transcarbamylase; plus strand). Cytogenetic location: Xp11.4.
Variant type: Deletion.
Coding change: c.298+1del on transcript NM_000531.6 (MANE Select); the canonical splice donor site of the intron after coding-DNA position 298, one base deleted (G; older notation c.298+1delG).
Molecular consequence: splice donor variant.
Genome position (GRCh38, 1-based): chrX:38,369,878, G deleted; the last of 2 consecutive G bases (chrX:38,369,877-38,369,878); deleting either gives the same sequence. VCF-style (leftmost placement, unchanged base first): chrX-38369876-AG-A. GRCh37 (hg19) VCF-style: chrX-38229129-AG-A.
Other names: c.298+1del (NM_001407092.1).
Identifiers: ClinVar variation 870610 (VCV000870610.3), dbSNP rs2068315570, ClinGen allele CA1139667389.

ClinVar aggregate classification (germline): Pathogenic (0 of 4 stars; one submission).

Conditions:
Ornithine carbamoyltransferase deficiency (OTCD). Also called: OTC DEFICIENCY; Ornithine Carbamoyltransferase Deficiency Disease; ORNITHINE TRANSCARBAMYLASE DEFICIENCY; ORNITHINE TRANSCARBAMYLASE DEFICIENCY, HYPERAMMONEMIA DUE TO. Identifiers: Orphanet 664, MedGen C0268542, MONDO:0010703, OMIM 311250.

Submission:

Molecular Genetics laboratory, Necker Hospital
Classification: Pathogenic for Ornithine carbamoyltransferase deficiency. Review status: no assertion criteria provided. Collection method: clinical testing. Allele origin: maternal. Inheritance: X-linked inheritance. Affected: yes.
Comment: 5 boys with a neonatal form